The following is an entry in ClinVar:

NM_001184.4(ATR):c.4659G>A (p.Met1553Ile)

Gene: ATR (ATR checkpoint kinase; minus strand). Cytogenetic location: 3q23.
Variant type: single nucleotide variant.
Coding change: c.4659G>A on transcript NM_001184.4 (MANE Select); coding-DNA position 4659, G replaced by A.
Protein change: p.Met1553Ile; replaces methionine 1553 with isoleucine.
Molecular consequence: missense variant.
Genome position (GRCh38, 1-based): chr3:142,512,453, C>T on the plus strand (G>A on the coding strand, the complement: ATR is on the minus strand). VCF-style: chr3-142512453-C-T. GRCh37 (hg19) VCF-style: chr3-142231295-C-T.
Other names: c.4467G>A, p.Met1489Ile (NM_001354579.2); short protein forms M1489I, M1553I.
Identifiers: ClinVar variation 3221173 (VCV003221173.1), dbSNP rs2108372593, ClinGen allele CA354795885.

ClinVar aggregate classification (germline): Uncertain significance (1 of 4 stars; one submission).

Conditions:
Inborn genetic diseases. Identifiers: MedGen C0950123, MeSH D030342.

Submission:

Ambry Genetics
Classification: Uncertain significance for Inborn genetic diseases. Last evaluated: 2022-12-07. Review status: criteria provided, single submitter. Criteria: Ambry Variant Classification Scheme 2023. Collection method: clinical testing. Allele origin: germline.
Comment: The p.M1553I variant (also known as c.4659G>A), located in coding exon 27 of the ATR gene, results from a G to A substitution at nucleotide position 4659. The methionine at codon 1553 is replaced by isoleucine, an amino acid with highly similar properties. This amino acid position is conserved. In addition, this alteration is predicted to be tolerated by in silico analysis. Since supporting evidence is limited at this time, the clinical significance of this alteration remains unclear.